The following is an entry in ClinVar:

ClinVar aggregate classification (germline): Uncertain significance (1 of 4 stars; one submission).

Conditions:
MAGEL2-related disorder. Also called: MAGEL2-related condition.

Submission:

PreventionGenetics, part of Exact Sciences
Classification: Uncertain significance for MAGEL2-related condition. Last evaluated: 2026-09-18. Review status: criteria provided, single submitter. Criteria: ACMG Guidelines, 2015. Collection method: clinical testing. Allele origin: germline.
Comment: The MAGEL2 c.719_748dup30 variant is predicted to result in an in-frame duplication (p.Ala240_Met249dup). To our knowledge, this variant has not been reported in the literature or in a large population database (gnomAD), indicating this variant is rare. At this time, the clinical significance of this variant is uncertain due to the absence of conclusive functional and genetic evidence.

NM_019066.5(MAGEL2):c.719_748dup (p.Met249_Val250insAlaGlnProLeuThrProGlyValLeuMet)

Gene: MAGEL2 (MAGE family member L2; minus strand). Cytogenetic location: 15q11.2.
Variant type: Duplication.
Coding change: c.719_748dup on transcript NM_019066.5 (MANE Select); coding-DNA positions 719 to 748, 30 bases duplicated (CCCAGCCTCTGACTCCGGGAGTCCTGATGG).
Protein change: p.Met249_Val250insAlaGlnProLeuThrProGlyValLeuMet.
Molecular consequence: inframe insertion.
Genome position (GRCh38, 1-based): chr15:23,646,995-23,647,024, CCATCAGGACTCCCGGAGTCAGAGGCTGGG duplicated on the plus strand (CCCAGCCTCTGACTCCGGGAGTCCTGATGG on the coding strand, the reverse complement: MAGEL2 is on the minus strand); duplicating any 30 consecutive bases within chr15:23,646,995-23,647,042 gives the same sequence; the c. name uses the placement nearest the transcript's 3' end. VCF-style (leftmost placement, unchanged base first): chr15-23646994-A-ACCATCAGGACTCCCGGAGTCAGAGGCTGGG. GRCh37 (hg19) VCF-style: chr15-23892141-A-ACCATCAGGACTCCCGGAGTCAGAGGCTGGG.
Identifiers: ClinVar variation 4986398 (VCV004986398.1).